The following is an entry in ClinVar:

ClinVar aggregate classification (germline): Conflicting classifications of pathogenicity. Review status: criteria provided, conflicting classifications (1 of 4 stars). 2 submissions from 2 submitters: Uncertain significance (1); Likely benign (1). Last evaluated 2023-12-08.

Conditions:
Hereditary cancer-predisposing syndrome. Also called: Hereditary neoplastic syndrome; Tumor predisposition; Hereditary Cancer Syndrome; Neoplastic Syndromes, Hereditary. Identifiers: Orphanet 140162, MedGen C0027672, MeSH D009386, MONDO:0015356.
Ataxia-telangiectasia syndrome (AT). Also called: Cerebello-oculocutaneous telangiectasia; Immunodeficiency with ataxia telangiectasia; Ataxia telangiectasia (A-T); Ataxia-telangiectasia, complementation group E; LOUIS-BAR SYNDROME; Ataxia-telangiectasia. Identifiers: Orphanet 100, MedGen C0004135, MONDO:0008840, OMIM 208900.

Allele frequency attached by ClinVar (database versions not stated): gnomAD exomes below 0.00001; ExAC 0.00001.

Submissions (2):

Labcorp Genetics (formerly Invitae), Labcorp
Classification: Uncertain significance for Ataxia-telangiectasia syndrome. Last evaluated: 2023-12-08. Review status: criteria provided, single submitter. Criteria: Invitae Variant Classification Sherloc (09022015). Collection method: clinical testing. Allele origin: germline.
Comment: This sequence change affects codon 1668 of the ATM mRNA. It is a 'silent' change, meaning that it does not change the encoded amino acid sequence of the ATM protein. It affects a nucleotide within the consensus splice site. This variant is present in population databases (rs768565424, gnomAD 0.003%). This variant has been observed in individual(s) with breast cancer (PMID: 30287823). ClinVar contains an entry for this variant (Variation ID: 578601). RNA analysis performed to evaluate the impact of this variant on mRNA splicing indicates it does not significantly alter splicing (Invitae). In summary, the available evidence is currently insufficient to determine the role of this variant in disease. Therefore, it has been classified as a Variant of Uncertain Significance.

Ambry Genetics
Classification: Likely benign for Hereditary cancer-predisposing syndrome. Last evaluated: 2023-05-19. Review status: criteria provided, single submitter. Criteria: Ambry Variant Classification Scheme 2023. Collection method: clinical testing. Allele origin: germline.

Literature cited by the submitters: PubMed 30287823 (cited by Labcorp Genetics (formerly Invitae), Labcorp and Ambry Genetics).

NM_000051.4(ATM):c.5004A>G (p.Leu1668=)

Gene: ATM (ATM serine/threonine kinase; plus strand). Cytogenetic location: 11q22.3.
Variant type: single nucleotide variant.
Coding change: c.5004A>G on transcript NM_000051.4 (MANE Select); coding-DNA position 5004, A replaced by G.
Protein change: p.Leu1668=; no amino-acid change (leucine 1668 retained).
Molecular consequence: synonymous variant.
Genome position (GRCh38, 1-based): chr11:108,297,381, A>G. VCF-style: chr11-108297381-A-G. GRCh37 (hg19) VCF-style: chr11-108168108-A-G.
Other names: c.5004A>G, p.Leu1668= (NM_001351834.2).
Identifiers: ClinVar variation 578601 (VCV000578601.16), dbSNP rs768565424, ClinGen allele CA6265592.